The following is an entry in ClinVar:

ClinVar aggregate classification (germline): Uncertain significance. Review status: criteria provided, multiple submitters, no conflicts (2 of 4 stars). 2 submissions from 2 submitters: Uncertain significance (2). Last evaluated 2026-01-13.

Conditions:
Hereditary cancer-predisposing syndrome. Also called: Hereditary Cancer Syndrome; Tumor predisposition; Neoplastic Syndromes, Hereditary; Hereditary neoplastic syndrome. Identifiers: Orphanet 140162, MedGen C0027672, MeSH D009386, MONDO:0015356.

Allele frequency attached by ClinVar (database versions not stated): TOPMed below 0.00001.
gnomAD v4.1: 1 of 1,613,466 alleles (0.000062%); no homozygotes.

Submissions (2):

Ambry Genetics
Classification: Uncertain significance for Hereditary cancer-predisposing syndrome. Last evaluated: 2026-01-13. Review status: criteria provided, single submitter. Criteria: Ambry Variant Classification Scheme 2023. Collection method: clinical testing. Allele origin: germline.
Comment: The p.D316H variant (also known as c.946G>C), located in coding exon 10 of the POLE gene, results from a G to C substitution at nucleotide position 946. The aspartic acid at codon 316 is replaced by histidine, an amino acid with similar properties. This amino acid position is well conserved in available vertebrate species. In addition, this alteration is predicted to be tolerated by in silico analysis. Since supporting evidence is limited at this time, the clinical significance of this alteration remains unclear.

Labcorp Genetics (formerly Invitae), Labcorp
Classification: Uncertain significance. Last evaluated: 2025-05-27. Review status: criteria provided, single submitter. Criteria: Invitae Variant Classification Sherloc (09022015). Collection method: clinical testing. Allele origin: germline.
Comment: This sequence change replaces aspartic acid, which is acidic and polar, with histidine, which is basic and polar, at codon 316 of the POLE protein (p.Asp316His). This variant is not present in population databases (gnomAD no frequency). This variant has not been reported in the literature in individuals affected with POLE-related conditions. ClinVar contains an entry for this variant (Variation ID: 823269). Invitae Evidence Modeling of protein sequence and biophysical properties (such as structural, functional, and spatial information, amino acid conservation, physicochemical variation, residue mobility, and thermodynamic stability) has been performed for this missense variant. However, the output from this modeling did not meet the statistical confidence thresholds required to predict the impact of this variant on POLE protein function. In summary, the available evidence is currently insufficient to determine the role of this variant in disease. Therefore, it has been classified as a Variant of Uncertain Significance.

NM_006231.4(POLE):c.946G>C (p.Asp316His)

Gene: POLE (DNA polymerase epsilon, catalytic subunit; minus strand). Cytogenetic location: 12q24.33.
Variant type: single nucleotide variant.
Coding change: c.946G>C on transcript NM_006231.4 (MANE Select); coding-DNA position 946, G replaced by C.
Protein change: p.Asp316His; replaces aspartic acid 316 with histidine.
Molecular consequence: missense variant.
Genome position (GRCh38, 1-based): chr12:132,676,168, C>G on the plus strand (G>C on the coding strand, the complement: POLE is on the minus strand). VCF-style: chr12-132676168-C-G. GRCh37 (hg19) VCF-style: chr12-133252754-C-G.
Other names: short protein forms D316H.
Identifiers: ClinVar variation 823269 (VCV000823269.15), dbSNP rs1593078482, ClinGen allele CA387363828.
Genomic context (GRCh38, chr12:132,676,168, plus strand): 5'-TGAAGACACAAAAGGGGCCTTCATATTCTGGCTTGGGGGTGAACTCAAAATCTTCAATAT[C>G]TTCTGAAACAATCTCCCTGTTGGTGATGAGGTAGCCCTAGCCAAGTTCATTAGCAATCAG-3'
Protein context (NP_006222.2, residues 306-326): LITNREIVSE[Asp316His]IEDFEFTPKP